The following is an entry in ClinVar:

NM_001378687.1(ATP2C1):c.118-8T>C

Gene: ATP2C1 (ATPase secretory pathway Ca2+ transporting 1; plus strand). Cytogenetic location: 3q22.1.
Variant type: single nucleotide variant.
Coding change: c.118-8T>C on transcript NM_001378687.1 (MANE Select); 8 bases into the intron before coding-DNA position 118, T replaced by C.
Molecular consequence: intron variant.
Genome position (GRCh38, 1-based): chr3:130,932,014, T>C. VCF-style: chr3-130932014-T-C. GRCh37 (hg19) VCF-style: chr3-130650858-T-C.
Other names: c.220-8T>C (NM_001378511.1, NM_001199180.2, NM_001199181.3); c.219+1488T>C (NM_001199182.2); c.118-8T>C (NM_001001486.2, NM_001001487.2, NM_001001485.3 and 5 more transcripts); c.70-8T>C (NM_001378514.1, NM_001199183.2, NM_001199184.3).
Identifiers: ClinVar variation 3048246 (VCV003048246.2), dbSNP rs774114512, ClinGen allele CA2614728.

ClinVar aggregate classification (germline): Likely benign (0 of 4 stars; one submission).

Conditions:
ATP2C1-related disorder. Also called: ATP2C1-related condition.

Allele frequency attached by ClinVar (database versions not stated): ExAC 0.00001; gnomAD exomes 0.00002; TOPMed 0.00003; gnomAD 0.00005.

Submission:

PreventionGenetics, part of Exact Sciences
Classification: Likely benign for ATP2C1-related condition. Last evaluated: 2019-11-25. Review status: no assertion criteria provided. Collection method: clinical testing. Allele origin: germline.
Comment: This variant is classified as likely benign based on ACMG/AMP sequence variant interpretation guidelines (Richards et al. 2015 PMID: 25741868, with internal and published modifications).